The following is an entry in ClinVar:

NM_002103.5(GYS1):c.101G>T (p.Trp34Leu)

Gene: GYS1 (glycogen synthase 1; minus strand). Cytogenetic location: 19q13.33.
Variant type: single nucleotide variant.
Coding change: c.101G>T on transcript NM_002103.5 (MANE Select); coding-DNA position 101, G replaced by T.
Protein change: p.Trp34Leu; replaces tryptophan 34 with leucine.
Molecular consequence: missense variant. On other transcripts: non-coding transcript variant (1).
Genome position (GRCh38, 1-based): chr19:48,993,012, C>A on the plus strand (G>T on the coding strand, the complement: GYS1 is on the minus strand). VCF-style: chr19-48993012-C-A. GRCh37 (hg19) VCF-style: chr19-49496269-C-A.
Other names: c.101G>T, p.Trp34Leu (NM_001161587.2); short protein forms W34L.
Identifiers: ClinVar variation 429776 (VCV000429776.5), dbSNP rs1131691586, ClinGen allele CA406766936.

ClinVar aggregate classification (germline): Uncertain significance (1 of 4 stars; one submission).

Conditions:
Glycogen storage disease due to muscle and heart glycogen synthase deficiency. Also called: GSD 0b; MUSCLE GLYCOGEN SYNTHASE DEFICIENCY. Identifiers: Orphanet 137625, MedGen C1969054, MONDO:0012693, OMIM 611556.

Submission:

GeneDx
Classification: Uncertain significance. Last evaluated: 2020-08-03. Review status: criteria provided, single submitter. Criteria: GeneDx Variant Classification Process June 2021. Collection method: clinical testing. Allele origin: germline. Affected: yes.
Comment: Not observed in large population cohorts (Lek et al., 2016); In silico analysis supports that this missense variant has a deleterious effect on protein structure/function; Has not been previously published as pathogenic or benign to our knowledge